The following is an entry in ClinVar:

NM_004006.3(DMD):c.2635C>T (p.Arg879Trp)

Gene: DMD (dystrophin; minus strand). Cytogenetic location: Xp21.1.
Variant type: single nucleotide variant.
Coding change: c.2635C>T on transcript NM_004006.3 (MANE Select); coding-DNA position 2635, C replaced by T.
Protein change: p.Arg879Trp; replaces arginine 879 with tryptophan.
Molecular consequence: missense variant.
Genome position (GRCh38, 1-based): chrX:32,485,087, G>A on the plus strand (C>T on the coding strand, the complement: DMD is on the minus strand). VCF-style: chrX-32485087-G-A. GRCh37 (hg19) VCF-style: chrX-32503204-G-A.
Other names: c.2611C>T, p.Arg871Trp (NM_000109.4); c.2623C>T, p.Arg875Trp (NM_004009.3); c.2266C>T, p.Arg756Trp (NM_004010.3); short protein forms R756W, R875W, R871W, R879W.
Identifiers: ClinVar variation 663205 (VCV000663205.11), dbSNP rs1603634614, ClinGen allele CA412671128.
Genomic context (GRCh38, chrX:32,485,087, plus strand): 5'-CTTTCAGGGCTATGCTTTGAATTTTTAATCGTTCAATTTGAGGTTGAAGATCTGATAGCC[G>A]GTTGACTTCATCCTGTGCCATAGAGTATGGAAAGTAAGTAACACGTTTACTTTGCATACA-3'
Protein context (NP_003997.2, residues 869-889): QLKICKDEVN[Arg879Trp]LSDLQPQIER

ClinVar aggregate classification (germline): Uncertain significance. Review status: criteria provided, multiple submitters, no conflicts (2 of 4 stars). 5 submissions from 5 submitters: Uncertain significance (4). 1 of the submissions does not count toward it. Last evaluated 2025-07-23.

Conditions:
Dystrophin deficiency.
Becker muscular dystrophy (BMD). Also called: Becker Muscular Dystrophy (BMD); MUSCULAR DYSTROPHY, PSEUDOHYPERTROPHIC PROGRESSIVE, BECKER TYPE. Identifiers: Orphanet 98895, MedGen C0917713, MONDO:0010311, OMIM 300376.
Cardiomyopathy (CMYO). Also called: Cardiomyopathies. Identifiers: Orphanet 167848, MedGen C0878544, MONDO:0004994, HP:0001638. Inheritance: Various modes of inheritance.
Duchenne muscular dystrophy (DMD). Also called: Duchenne Muscular Dystrophy (DMD); MUSCULAR DYSTROPHY, PSEUDOHYPERTROPHIC PROGRESSIVE, DUCHENNE TYPE. Identifiers: Orphanet 98896, MedGen C0013264, MONDO:0010679, OMIM 310200.
Cardiovascular phenotype. Identifiers: MedGen CN230736.

Allele frequency attached by ClinVar (database versions not stated): TOPMed below 0.00001; gnomAD 0.00001; gnomAD exomes 0.00001.
gnomAD v4.1: 13 of 1,207,006 alleles (0.0011%); highest among the groups gnomAD compares: South Asian, 0.0018%; no homozygotes.

Submissions (5):

Labcorp Genetics (formerly Invitae), Labcorp
Classification: Uncertain significance for Duchenne muscular dystrophy. Last evaluated: 2025-07-23. Review status: criteria provided, single submitter. Criteria: Invitae Variant Classification Sherloc (09022015). Collection method: clinical testing. Allele origin: germline.
Comment: This sequence change replaces arginine, which is basic and polar, with tryptophan, which is neutral and slightly polar, at codon 879 of the DMD protein (p.Arg879Trp). This variant is not present in population databases (gnomAD no frequency). This variant has not been reported in the literature in individuals affected with DMD-related conditions. ClinVar contains an entry for this variant (Variation ID: 663205). Invitae Evidence Modeling of protein sequence and biophysical properties (such as structural, functional, and spatial information, amino acid conservation, physicochemical variation, residue mobility, and thermodynamic stability) indicates that this missense variant is not expected to disrupt DMD protein function with a negative predictive value of 95%. In summary, the available evidence is currently insufficient to determine the role of this variant in disease. Therefore, it has been classified as a Variant of Uncertain Significance.

Ambry Genetics
Classification: Uncertain significance for Cardiovascular phenotype. Last evaluated: 2025-03-30. Review status: criteria provided, single submitter. Criteria: Ambry Variant Classification Scheme 2023. Collection method: clinical testing. Allele origin: germline.
Comment: The p.R879W variant (also known as c.2635C>T), located in coding exon 21 of the DMD gene, results from a C to T substitution at nucleotide position 2635. The arginine at codon 879 is replaced by tryptophan, an amino acid with dissimilar properties. This amino acid position is highly conserved in available vertebrate species. In addition, this alteration is predicted to be tolerated by in silico analysis. Since supporting evidence is limited at this time, the clinical significance of this alteration remains unclear.

Revvity Omics, Revvity
Classification: Uncertain significance. Last evaluated: 2023-11-21. Review status: criteria provided, single submitter. Criteria: ACMG Guidelines, 2015. Collection method: clinical testing. Allele origin: germline.

Blueprint Genetics
Classification: Uncertain significance. Last evaluated: 2019-11-30. Review status: criteria provided, single submitter. Criteria: ACMG Guidelines, 2015. Collection method: clinical testing. Allele origin: germline.

Natera, Inc.
Classification: Uncertain significance for Becker muscular dystrophy; Cardiomyopathy; Duchenne muscular dystrophy; Dystrophin deficiency. Last evaluated: 2018-08-18. Review status: no assertion criteria provided. Collection method: clinical testing. Allele origin: germline. Not counted in ClinVar's aggregate classification.